The following is an entry in ClinVar:

NM_032242.4(PLXNA1):c.3761G>T (p.Gly1254Val)

Gene: PLXNA1 (plexin A1; plus strand). Cytogenetic location: 3q21.3.
Variant type: single nucleotide variant.
Coding change: c.3761G>T on transcript NM_032242.4 (MANE Select); coding-DNA position 3761, G replaced by T.
Protein change: p.Gly1254Val; replaces glycine 1254 with valine.
Molecular consequence: missense variant.
Genome position (GRCh38, 1-based): chr3:127,018,394, G>T. VCF-style: chr3-127018394-G-T. GRCh37 (hg19) VCF-style: chr3-126737237-G-T.
Other names: short protein forms G1254V.
Identifiers: ClinVar variation 2374890 (VCV002374890.6), dbSNP rs539016754, ClinGen allele CA2594136.

ClinVar aggregate classification (germline): Uncertain significance. Review status: criteria provided, multiple submitters, no conflicts (2 of 4 stars). 2 submissions from 2 submitters: Uncertain significance (2). Last evaluated 2026-06-24.

Conditions:
PLXNA1-related disorder. Also called: PLXNA1-related condition.

Allele frequency attached by ClinVar (database versions not stated): gnomAD exomes 0.00002; ExAC 0.00006; gnomAD 0.00015; 1000 Genomes Project 30x 0.00016; TOPMed 0.00016; 1000 Genomes Project 0.00020.
gnomAD v4.1: 55 of 1,613,070 alleles (0.0034%); highest among the groups gnomAD compares: African/African-American, 0.045%; no homozygotes.

Submissions (2):

PreventionGenetics, part of Exact Sciences
Classification: Uncertain significance for PLXNA1-related condition. Last evaluated: 2026-06-24. Review status: criteria provided, single submitter. Criteria: ACMG Guidelines, 2015. Collection method: clinical testing. Allele origin: germline.
Comment: The PLXNA1 c.3761G>T variant is predicted to result in the amino acid substitution p.Gly1254Val. To our knowledge, this variant has not been reported in the literature in association with PLXNA1-related disease. This variant is reported in 0.036% of alleles in individuals of African descent in gnomAD. At this time, the clinical significance of this variant is uncertain due to the absence of conclusive functional and genetic evidence.

Ambry Genetics
Classification: Uncertain significance. Last evaluated: 2025-03-14. Review status: criteria provided, single submitter. Criteria: Ambry Variant Classification Scheme 2023. Collection method: clinical testing. Allele origin: germline.